The following is an entry in ClinVar:

ClinVar aggregate classification (germline): Uncertain significance. Review status: criteria provided, multiple submitters, no conflicts (2 of 4 stars). 3 submissions from 3 submitters: Uncertain significance (3). Last evaluated 2025-10-02.

Conditions:
Peroxisome biogenesis disorder 2B (PBD2B). Identifiers: Orphanet 44, MedGen C3550234, MONDO:0008736, OMIM 202370.
Inborn genetic diseases. Identifiers: MedGen C0950123, MeSH D030342.

Allele frequency attached by ClinVar (database versions not stated): ExAC 0.00001; gnomAD 0.00001; TOPMed 0.00001; gnomAD exomes 0.00002; ESP Exome Variant Server 0.00008.

Submissions (3):

Ambry Genetics
Classification: Uncertain significance for Inborn genetic diseases. Last evaluated: 2025-10-02. Review status: criteria provided, single submitter. Criteria: Ambry Variant Classification Scheme 2023. Collection method: clinical testing. Allele origin: germline.

Labcorp Genetics (formerly Invitae), Labcorp
Classification: Uncertain significance for Peroxisome biogenesis disorder 2B. Last evaluated: 2022-07-01. Review status: criteria provided, single submitter. Criteria: Invitae Variant Classification Sherloc (09022015). Collection method: clinical testing. Allele origin: germline.
Comment: This sequence change replaces arginine, which is basic and polar, with cysteine, which is neutral and slightly polar, at codon 608 of the PEX5 protein (p.Arg608Cys). This variant is present in population databases (rs372635542, gnomAD 0.01%). This variant has not been reported in the literature in individuals affected with PEX5-related conditions. ClinVar contains an entry for this variant (Variation ID: 498035). Algorithms developed to predict the effect of missense changes on protein structure and function are either unavailable or do not agree on the potential impact of this missense change (SIFT: "Deleterious"; PolyPhen-2: "Probably Damaging"; Align-GVGD: "Class C0"). In summary, the available evidence is currently insufficient to determine the role of this variant in disease. Therefore, it has been classified as a Variant of Uncertain Significance.

Eurofins Ntd Llc (ga)
Classification: Uncertain significance. Last evaluated: 2016-10-17. Review status: criteria provided, single submitter. Criteria: EGL Classification Definitions 2015. Collection method: clinical testing. Allele origin: germline. Observed: 1 variant allele, 1 heterozygote.

NM_001351132.2(PEX5):c.1822C>T (p.Arg608Cys)

Gene: PEX5 (peroxisomal biogenesis factor 5; plus strand). Cytogenetic location: 12p13.31.
Variant type: single nucleotide variant.
Coding change: c.1822C>T on transcript NM_001351132.2 (MANE Select); coding-DNA position 1822, C replaced by T.
Protein change: p.Arg608Cys; replaces arginine 608 with cysteine.
Molecular consequence: missense variant.
Genome position (GRCh38, 1-based): chr12:7,210,125, C>T. VCF-style: chr12-7210125-C-T. GRCh37 (hg19) VCF-style: chr12-7362721-C-T.
Other names: c.1798C>T, p.Arg600Cys (NM_000319.5); c.1867C>T, p.Arg623Cys (NM_001131023.2); c.1711C>T, p.Arg571Cys (NM_001131024.2, NM_001351124.3, NM_001351126.2 and 7 more transcripts); c.1822C>T, p.Arg608Cys (NM_001131025.2, NM_001131026.2, NM_001300789.3 and 4 more transcripts); c.1756C>T, p.Arg586Cys (NM_001351135.3, NM_001351138.2); c.1813C>T, p.Arg605Cys (NM_001351136.2); c.1687C>T, p.Arg563Cys (NM_001351139.2, NM_001351140.2, NM_001374649.2); c.1822C>T (NM_001131025.1); short protein forms R600C, R608C, R571C, R586C, R605C, R623C, R563C.
Identifiers: ClinVar variation 498035 (VCV000498035.9), dbSNP rs372635542, ClinGen allele CA6426596.